The following is an entry in ClinVar:

ClinVar aggregate classification (germline): Pathogenic (1 of 4 stars; one submission).

Conditions:
HSD10 mitochondrial disease (HSD10MD). Also called: 2-methyl-3-hydroxybutyric aciduria; HSD10 deficiency; 3H2MBD deficiency; 3-hydroxy-2-methylbutyryl-CoA dehydrogenase deficiency; 2M3HBA; 2-METHYL-3-HYDROXYBUTYRYL-CoA DEHYDROGENASE DEFICIENCY. Identifiers: Orphanet 391417, Orphanet 85295, MedGen C3266731, MONDO:0010327, OMIM 300438. Disease mechanism: loss of function.

Submission:

Molecular Genetics Laboratory, Motol Hospital
Classification: Pathogenic for HSD10 mitochondrial disease. Last evaluated: 2025-04-15. Review status: criteria provided, single submitter. Criteria: ACMG Guidelines, 2015. Collection method: clinical testing. Allele origin: de novo. Affected: yes. Observed: 1 variant allele.
Comment: The rare causative variations are resposible for X-linked mitochondrial disorder HSD10 (MIM:300438), a rare neurometabolic disease with progressive neurodegeneration, epilepsy, retinopathy, and progressive cardiomyopathy. The variant is located in the mutational hotspot in exon 5 of the HSD17B10 gene (PM1). Rare variant not present in gnomAD population databases (PM2). In silico prediction tools support deleterious effect on the gene (PP3). Therefore, this variant is classified as pathogenic.

Literature cited by the submitters: PubMed 22127393.

NM_004493.3(HSD17B10):c.551G>A (p.Arg184Gln)

Gene: HSD17B10 (hydroxysteroid 17-beta dehydrogenase 10; minus strand). Cytogenetic location: Xp11.22.
Variant type: single nucleotide variant.
Coding change: c.551G>A on transcript NM_004493.3 (MANE Select); coding-DNA position 551, G replaced by A.
Protein change: p.Arg184Gln; replaces arginine 184 with glutamine.
Molecular consequence: missense variant.
Genome position (GRCh38, 1-based): chrX:53,431,842, C>T on the plus strand (G>A on the coding strand, the complement: HSD17B10 is on the minus strand). VCF-style: chrX-53431842-C-T. GRCh37 (hg19) VCF-style: chrX-53458790-C-T.
Other names: c.551G>A, p.Arg184Gln (NM_001037811.2); short protein forms R184Q.
Identifiers: ClinVar variation 3780972 (VCV003780972.1).
Genomic context (GRCh38, chrX:53,431,842, plus strand): 5'-GAGGGGATATGTCTACCTGGGGCAATGGTCATCACCCGGATACCTATGGGAGCCAGATCC[C>T]GAGCAATGGGCAGTGTCATGCCCACTATTCCCCCCTTGGAAGCAGAGTATGCAGCTTGTC-3'
Protein context (NP_004484.1, residues 174-194): GIVGMTLPIA[Arg184Gln]DLAPIGIRVM